The following is an entry in ClinVar:

NM_004813.4(PEX16):c.956C>T (p.Pro319Leu)

Gene: PEX16 (peroxisomal biogenesis factor 16; minus strand). Cytogenetic location: 11p11.2.
Variant type: single nucleotide variant.
Coding change: c.956C>T on transcript NM_004813.4 (MANE Select); coding-DNA position 956, C replaced by T.
Protein change: p.Pro319Leu; replaces proline 319 with leucine.
Molecular consequence: missense variant. On other transcripts: intron variant (1).
Genome position (GRCh38, 1-based): chr11:45,910,309, G>A on the plus strand (C>T on the coding strand, the complement: PEX16 is on the minus strand). VCF-style: chr11-45910309-G-A. GRCh37 (hg19) VCF-style: chr11-45931860-G-A.
Other names: c.953-132C>T (NM_057174.3); short protein forms P319L.
Identifiers: ClinVar variation 3681141 (VCV003681141.2).

ClinVar aggregate classification (germline): Uncertain significance (1 of 4 stars; one submission).

Conditions:
Peroxisome biogenesis disorder. Identifiers: Orphanet 79189, MedGen C1832200, MONDO:0019234. Disease mechanism: loss of function.

gnomAD v4.1: 8 of 1,613,226 alleles (0.0005%); highest among the groups gnomAD compares: Middle Eastern, 0.017%; no homozygotes.

Submission:

Labcorp Genetics (formerly Invitae), Labcorp
Classification: Uncertain significance for Peroxisome biogenesis disorder. Last evaluated: 2024-09-22. Review status: criteria provided, single submitter. Criteria: Invitae Variant Classification Sherloc (09022015). Collection method: clinical testing. Allele origin: germline.
Comment: This sequence change replaces proline, which is neutral and non-polar, with leucine, which is neutral and non-polar, at codon 319 of the PEX16 protein (p.Pro319Leu). This variant is present in population databases (rs563691692, gnomAD 0.003%). This variant has not been reported in the literature in individuals affected with PEX16-related conditions. Invitae Evidence Modeling of protein sequence and biophysical properties (such as structural, functional, and spatial information, amino acid conservation, physicochemical variation, residue mobility, and thermodynamic stability) indicates that this missense variant is not expected to disrupt PEX16 protein function with a negative predictive value of 80%. In summary, the available evidence is currently insufficient to determine the role of this variant in disease. Therefore, it has been classified as a Variant of Uncertain Significance.